The following is an entry in ClinVar:

ClinVar aggregate classification (germline): Pathogenic/Likely pathogenic. Review status: criteria provided, multiple submitters, no conflicts (2 of 4 stars). 10 submissions from 9 submitters: Pathogenic (8); Likely pathogenic (2). Last evaluated 2026-06-23.

Conditions:
GLB1-related disorder. Also called: GLB1-related disorders. Identifiers: MedGen CN377807.
Progressive familial intrahepatic cholestasis (PFIC). Also called: Progressive family intrahepatic cholestasis; Progressive intrahepatic cholestasis. Identifiers: Orphanet 172, MedGen C0268312, MONDO:0015762.
GM1 gangliosidosis type 3. Also called: GM1-GANGLIOSIDOSIS, TYPE III; GANGLIOSIDOSIS, GENERALIZED GM1, ADULT TYPE; GANGLIOSIDOSIS, GENERALIZED GM1, CHRONIC TYPE; GANGLIOSIDOSIS, GENERALIZED GM1, TYPE III; Beta-galactosidase deficiency; Adult GM1 gangliosidosis. Identifiers: Orphanet 79257, MedGen C0268273, MONDO:0009262, OMIM 230650.
Infantile GM1 gangliosidosis. Also called: Gangliosidosis, Generalized GM1, Type 1; GM1-gangliosidosis, type I; Gangliosidosis, generalized GM1, infantile form; GLB1 deficiency; GM1 gangliosidosis type 1. Identifiers: Orphanet 354, Orphanet 79255, MedGen C0268271, MONDO:0009260, OMIM 230500.
GM1 gangliosidosis type 2. Also called: GM1-GANGLIOSIDOSIS, TYPE II; GANGLIOSIDOSIS, GENERALIZED GM1, JUVENILE TYPE; GANGLIOSIDOSIS, GENERALIZED GM1, TYPE II; Juvenile GM>1< gangliosidosis; Gangliosidosis, Generalized GM1, Type 2. Identifiers: Orphanet 354, Orphanet 79256, MedGen C0268272, MONDO:0009261, OMIM 230600.
Mucopolysaccharidosis, MPS-IV-B (MPS4B). Also called: MORQUIO SYNDROME B; Mucopolysaccharidosis Type IVB; MPS IVB; Mucopolysaccharidosis type 4B; Mucopolysaccharidosis type IV B; Mucopolysaccharidosis Type IVB (Morquio B Disease). Identifiers: Orphanet 309310, Orphanet 582, MedGen C0086652, MONDO:0009660, OMIM 253010.
GM1 gangliosidosis. Identifiers: Orphanet 354, MedGen C0085131, MONDO:0018149.

Allele frequency attached by ClinVar (database versions not stated): ExAC 0.00001; gnomAD exomes 0.00001 and 0.00003; TOPMed 0.00001; gnomAD 0.00003.
gnomAD v4.1: 43 of 1,613,732 alleles (0.0027%); highest among the groups gnomAD compares: South Asian, 0.0044%; no homozygotes.

Submissions (10):

GeneDx
Classification: Pathogenic. Last evaluated: 2026-06-23. Review status: criteria provided, single submitter. Criteria: GeneDx Variant Classification Process June 2021. Collection method: clinical testing. Allele origin: germline.
Comment: Identified with a second pathogenic variant in an individual with juvenile GM1 gangliosidosis, but it is not known whether the variants occurred on the same (in cis) or opposite (in trans) alleles (PMID: 8213816); Published functional studies showed significant reduction in catalytic activity compared with wildtype, demonstrating a damaging effect (PMID: 8213816); Not observed at significant frequency in large population cohorts (gnomAD); In silico analysis supports that this missense variant has a deleterious effect on protein structure/function; This variant is associated with the following publications: (PMID: 24024947, 29396849, 26646981, 38256219, 31905715, 38404665, 33737400, 37876076, 27619815, Kotecha2019[Article], 23337983, 21520340, 8213816, 33258288)

PreventionGenetics, part of Exact Sciences
Classification: Pathogenic for GLB1-related condition. Last evaluated: 2026-03-09. Review status: criteria provided, single submitter. Criteria: ACMG Guidelines, 2015. Collection method: clinical testing. Allele origin: germline.
Comment: The GLB1 c.1769G>A variant is predicted to result in the amino acid substitution p.Arg590His. This variant has been reported in the compound heterozygous state with a second GLB1 variant in multiple individuals with juvenile-onset GM1 gangliosidosis (Boustany et al. 1993. PubMed ID: 8213816; Regier et al. 2015. PubMed ID: 26646981; Table S1, Quaio et al. 2020. PubMed ID: 33258288; Table S1, Tebani et al. 2021. PubMed ID: 33737400). In vitro studies in patient fibroblasts and transformed mammalian cell lines have demonstrated that this variant leads to diminished β-galactosidase activity relative to controls (Boustany et al. 1993. PubMed ID: 8213816; Higaki et al. 2011. PubMed ID: 21520340; Takai et al. 2013. PubMed ID: 23337983; Regier et al. 2015. PubMed ID: 26646981; Table S1, Tebani et al. 2021. PubMed ID: 33737400). This variant is reported in 0.0033% of alleles in individuals of South Asian descent in gnomAD. Alternate missense variants of the same amino acid (p.Arg590Cys, p.Arg590Ser) have also been reported in individuals with GM1 gangliosidosis (for example, see Santamaria et al. 2006. PubMed ID: 16941474; Sperb et al. 2013. PubMed ID: 23046582; Al-Jasmi et al. 2013. PubMed ID: 23430803). Taken together, the p.Arg590His variant is interpreted as pathogenic.

Labcorp Genetics (formerly Invitae), Labcorp
Classification: Pathogenic for Mucopolysaccharidosis, MPS-IV-B; GM1 gangliosidosis. Last evaluated: 2025-12-16. Review status: criteria provided, single submitter. Criteria: Invitae Variant Classification Sherloc (09022015). Collection method: clinical testing. Allele origin: germline.
Comment: This sequence change replaces arginine, which is basic and polar, with histidine, which is basic and polar, at codon 590 of the GLB1 protein (p.Arg590His). This variant is present in population databases (rs398123351, gnomAD 0.003%). This missense change has been observed in individuals with GM1-gangliosidosis (PMID: 8213816, 26646981). ClinVar contains an entry for this variant (Variation ID: 92901). Invitae Evidence Modeling of protein sequence and biophysical properties (such as structural, functional, and spatial information, amino acid conservation, physicochemical variation, residue mobility, and thermodynamic stability) indicates that this missense variant is expected to disrupt GLB1 protein function with a positive predictive value of 95%. Experimental studies have shown that this missense change affects GLB1 function (PMID: 8213816, 23337983). This variant disrupts the p.Arg590 amino acid residue in GLB1. Other variant(s) that disrupt this residue have been determined to be pathogenic (PMID: 16941474, 17309651, 23430803). This suggests that this residue is clinically significant, and that variants that disrupt this residue are likely to be disease-causing. For these reasons, this variant has been classified as Pathogenic.

Natera, Inc.
Classification: Pathogenic for Mucopolysaccharidosis, MPS-IV-B. Last evaluated: 2025-09-29. Review status: criteria provided, single submitter. Criteria: Natera Variant Classification Schema (03/2026). Collection method: clinical testing. Allele origin: germline.
Comment: The c.1769G>A variant in GLB1 is a missense variant predicted to cause substitution of arginine to histidine at amino acid 590. This variant is rare in the general population with a frequency below the threshold expected for the associated phenotype(s). This variant has been observed in one or more individuals affected with the associated recessive disease, as either homozygous or compound heterozygous with a second variant (PMID: 8213816, 33258288, 26646981, 38256219). A different variant at the same position has been determined to be Pathogenic or Likely Pathogenic. Computational prediction algorithms indicate this variant is likely to affect gene or protein function. Given the available evidence, this variant is classified as Pathogenic.

Fulgent Genetics
Classification: Likely pathogenic for Infantile GM1 gangliosidosis; GM1 gangliosidosis type 2; GM1 gangliosidosis type 3; Mucopolysaccharidosis, MPS-IV-B. Last evaluated: 2024-04-26. Review status: criteria provided, single submitter. Criteria: ACMG Guidelines, 2015. Collection method: clinical testing. Allele origin: germline.

Women's Health and Genetics/Laboratory Corporation of America, LabCorp
Classification: Pathogenic for GM1 gangliosidosis. Last evaluated: 2024-03-18. Review status: criteria provided, single submitter. Criteria: LabCorp Variant Classification Summary - May 2015. Collection method: clinical testing. Allele origin: germline.
Comment: Variant summary: GLB1 c.1769G>A (p.Arg590His) results in a non-conservative amino acid change located in the galactose-binding domain (IPR048913) of the encoded protein sequence. Five of five in-silico tools predict a damaging effect of the variant on protein function. The variant allele was found at a frequency of 1.2e-05 in 249130 control chromosomes (gnomAD). c.1769G>A has been reported in the literature in individuals affected with GM1 Gangliosidosis (e.g. Boustany_1993, Regier_2016, Quaio_2020). Publications also reported experimental evidence evaluating an impact on protein function, and demonstrated decreased enzyme activity (e.g. Boustany_1993, Higaki_2011, Takai_2013). ClinVar contains an entry for this variant (Variation ID: 92901). Based on the evidence outlined above, the variant was classified as pathogenic.

Women's Health and Genetics/Laboratory Corporation of America, LabCorp
Classification: Pathogenic for Progressive familial intrahepatic cholestasis. Last evaluated: 2024-03-18. Review status: criteria provided, single submitter. Criteria: LabCorp Variant Classification Summary - May 2015. Collection method: clinical testing. Allele origin: germline.
Comment: Variant summary: ABCB4 c.1769G>A (p.Arg590Gln) results in a conservative amino acid change located in the ABC transporter-like, ATP-binding domain (IPR003439) of the encoded protein sequence. Four of five in-silico tools predict a damaging effect of the variant on protein function. The variant allele was found at a frequency of 0.0045 in 251094 control chromosomes in the gnomAD database, including 4 homozygotes. The observed variant frequency is approximately 2.0 fold of the estimated maximal expected allele frequency for a pathogenic variant in ABCB4 causing Familial Intrahepatic Cholestasis phenotype (0.0022), strongly suggesting that the variant is benign. c.1769G>A has been reported in the literature among individuals with ABCB4-related conditions such as Anicteric Cholestasis, low phospholipid-associated cholelithiasis (LPAC), Progressive familial intrahepatic cholestasis (example, Ziol_2008, Tuan Huynh_2019, Colombo_2011, Droge_2017). These data do not allow any conclusion about variant significance. At-least one co-occurrence in cis with another presumably pathogenic variant(s) has been reported (Colombo_2011, ABCB4 c.2284G>T, p.G762X), providing supporting evidence for a benign role. To our knowledge, no experimental evidence demonstrating an impact on protein function has been reported. Seven clinical diagnostic laboratories have submitted clinical-significance assessments for this variant to ClinVar after 2014 without evidence for independent evaluation. Multiple laboratories reported the variant with conflicting assessments (Benign/Likely Benign, n=2; VUS, n=5). Based on the evidence outlined above, the variant was classified as VUS-possibly benign.

Myriad Genetics, Inc.
Classification: Likely pathogenic for GLB1-related disorder. Last evaluated: 2021-11-03. Review status: criteria provided, single submitter. Criteria: Myriad Autosomal Dominant, Autosomal Recessive and X-Linked Classification Criteria (2023). Collection method: clinical testing. Allele origin: unknown.
Comment: NM_000404.2(GLB1):c.1769G>A(R590H) is a missense variant classified as likely pathogenic in the context of GLB1-related disorders. R590H has been observed in cases with relevant disease (PMID: 8213816, 27619815, Shekar_2019_(no PMID; poster), 26646981, 33737400). Functional assessments of this variant are available in the literature (PMID: 8213816, 21520340, 23337983). R590H has been observed in population frequency databases (gnomAD: SAS 0.003%). In summary, NM_000404.2(GLB1):c.1769G>A(R590H) is a missense variant that has been observed more frequently in cases with the relevant disease than in healthy populations. Please note: this variant was assessed in the context of healthy population screening.

Eurofins Ntd Llc (ga)
Classification: Pathogenic. Last evaluated: 2013-11-06. Review status: criteria provided, single submitter. Criteria: EGL Classification Definitions. Collection method: clinical testing. Allele origin: germline. Observed: 2 variant alleles, 2 heterozygotes.

Kasturba Medical College, Manipal, Kasturba Medical College, Manipal, Manipal Academy of Higher Education, Manipal, India
Classification: Pathogenic for Infantile GM1 gangliosidosis. Review status: criteria provided, single submitter. Criteria: ACMG Guidelines, 2015. Collection method: clinical testing. Allele origin: inherited. Affected: yes.

Literature cited by the submitters: PubMed 8213816 (cited by 4 submitters); PubMed 26646981 (cited by 3 submitters); PubMed 23337983 (cited by 3 submitters); PubMed 16941474 (cited by Labcorp Genetics (formerly Invitae), Labcorp); PubMed 17309651 (cited by Labcorp Genetics (formerly Invitae), Labcorp); PubMed 23430803 (cited by Labcorp Genetics (formerly Invitae), Labcorp); PubMed 33258288 (cited by Natera, Inc. and Women's Health and Genetics/Laboratory Corporation of America, LabCorp); PubMed 38256219 (cited by Natera, Inc.); PubMed 21520340 (cited by Women's Health and Genetics/Laboratory Corporation of America, LabCorp and Myriad Genetics, Inc.).

NM_000404.4(GLB1):c.1769G>A (p.Arg590His)

Gene: GLB1 (galactosidase beta 1; minus strand). Cytogenetic location: 3p22.3.
Variant type: single nucleotide variant.
Coding change: c.1769G>A on transcript NM_000404.4 (MANE Select); coding-DNA position 1769, G replaced by A.
Protein change: p.Arg590His; replaces arginine 590 with histidine.
Molecular consequence: missense variant. On other transcripts: intron variant (1).
Genome position (GRCh38, 1-based): chr3:32,997,310, C>T on the plus strand (G>A on the coding strand, the complement: GLB1 is on the minus strand). VCF-style: chr3-32997310-C-T. GRCh37 (hg19) VCF-style: chr3-33038802-C-T.
Other names: c.1679G>A, p.Arg560His (NM_001079811.3); c.1376G>A, p.Arg459His (NM_001135602.3); c.1913G>A, p.Arg638His (NM_001317040.2); c.1734+16746G>A (NM_001393580.1); c.1769G>A (NM_000404.3); short protein forms R590H, R638H, R459H, R560H.
Identifiers: ClinVar variation 92901 (VCV000092901.27), dbSNP rs398123351, ClinGen allele CA201251.